The following is an entry in ClinVar:

NM_001162501.2(TNRC6B):c.2702G>C (p.Ser901Thr)

Gene: TNRC6B (trinucleotide repeat containing adaptor 6B; plus strand). Cytogenetic location: 22q13.1.
Variant type: single nucleotide variant.
Coding change: c.2702G>C on transcript NM_001162501.2 (MANE Select); coding-DNA position 2702, G replaced by C.
Protein change: p.Ser901Thr; replaces serine 901 with threonine.
Molecular consequence: missense variant. On other transcripts: intron variant (1).
Genome position (GRCh38, 1-based): chr22:40,266,932, G>C. VCF-style: chr22-40266932-G-C. GRCh37 (hg19) VCF-style: chr22-40662936-G-C.
Other names: c.2702G>C, p.Ser901Thr (NM_015088.3); c.566-3190G>C (NM_001024843.2); short protein forms S901T.
Identifiers: ClinVar variation 4992643 (VCV004992643.1).
Genomic context (GRCh38, chr22:40,266,932, plus strand): 5'-AGTCAATTAGTCGGAAAATGGACATTGATGATGGCACTTCAGCATGGGGAGACCCTAACA[G>C]TTATAACTACAAGAATGTGAATCTGTGGGATAAGAATTCCCAAGGGGGCCCAGCACCTCG-3'
Protein context (NP_001155973.1, residues 891-911): DGTSAWGDPN[Ser901Thr]YNYKNVNLWD

ClinVar aggregate classification (germline): Uncertain significance (1 of 4 stars; one submission).

Conditions:
TNRC6B-related disorder. Also called: TNRC6B-related condition.

Submission:

PreventionGenetics, part of Exact Sciences
Classification: Uncertain significance for TNRC6B-related condition. Last evaluated: 2026-08-24. Review status: criteria provided, single submitter. Criteria: ACMG Guidelines, 2015. Collection method: clinical testing. Allele origin: germline.
Comment: The TNRC6B c.2702G>C variant is predicted to result in the amino acid substitution p.Ser901Thr. To our knowledge, this variant has not been reported in the literature or in a large population database (gnomAD), indicating this variant is rare. At this time, the clinical significance of this variant is uncertain due to the absence of conclusive functional and genetic evidence.